The following is an entry in ClinVar:

ClinVar aggregate classification (germline): Likely benign. Review status: criteria provided, multiple submitters, no conflicts (2 of 4 stars). 2 submissions from 2 submitters: Likely benign (2). Last evaluated 2025-11-26.

Conditions:
Glycogen storage disease due to muscle beta-enolase deficiency (GSD13). Also called: ENOLASE 3 DEFICIENCY; ENOLASE-BETA DEFICIENCY; GSD XIII; Glycogen Storage Disease Type XIII. Identifiers: Orphanet 99849, MedGen C2752027, MONDO:0013046, OMIM 612932.

Allele frequency attached by ClinVar (database versions not stated): gnomAD exomes 0.00001 and 0.00006; gnomAD 0.00003 and 0.00004; ExAC 0.00006; TOPMed 0.00006.

Submissions (2):

Labcorp Genetics (formerly Invitae), Labcorp
Classification: Likely benign for Glycogen storage disease due to muscle beta-enolase deficiency. Last evaluated: 2025-11-26. Review status: criteria provided, single submitter. Criteria: Invitae Variant Classification Sherloc (09022015). Collection method: clinical testing. Allele origin: germline.

GeneDx
Classification: Likely benign. Last evaluated: 2018-05-22. Review status: criteria provided, single submitter. Criteria: GeneDx Variant Classification (06012015). Collection method: clinical testing. Allele origin: germline. Affected: yes.
Comment: This variant is considered likely benign or benign based on one or more of the following criteria: it is a conservative change, it occurs at a poorly conserved position in the protein, it is predicted to be benign by multiple in silico algorithms, and/or has population frequency not consistent with disease.

NM_053013.4(ENO3):c.182-16C>T

Gene: ENO3 (enolase 3; plus strand). Cytogenetic location: 17p13.2.
Variant type: single nucleotide variant.
Coding change: c.182-16C>T on transcript NM_053013.4 (MANE Select); 16 bases into the intron before coding-DNA position 182, C replaced by T.
Molecular consequence: intron variant.
Genome position (GRCh38, 1-based): chr17:4,953,035, C>T. VCF-style: chr17-4953035-C-T. GRCh37 (hg19) VCF-style: chr17-4856330-C-T.
Other names: c.182-16C>T (NM_001976.5); c.181+145C>T (NM_001193503.2).
Identifiers: ClinVar variation 668341 (VCV000668341.5), dbSNP rs557068790, ClinGen allele CA8316183.